The following is an entry in ClinVar:

NM_001557.4(CXCR2):c.707G>A (p.Arg236His)

Gene: CXCR2 (C-X-C motif chemokine receptor 2; plus strand). Cytogenetic location: 2q35.
Variant type: single nucleotide variant.
Coding change: c.707G>A on transcript NM_001557.4 (MANE Select); coding-DNA position 707, G replaced by A.
Protein change: p.Arg236His; replaces arginine 236 with histidine.
Molecular consequence: missense variant.
Genome position (GRCh38, 1-based): chr2:218,135,508, G>A. VCF-style: chr2-218135508-G-A. GRCh37 (hg19) VCF-style: chr2-219000231-G-A.
Other names: c.707G>A, p.Arg236His (NM_001168298.2); short protein forms R236H.
Identifiers: ClinVar variation 546888 (VCV000546888.46), dbSNP rs144013681, ClinGen allele CA2101758.

ClinVar aggregate classification (germline): Uncertain significance. Review status: criteria provided, multiple submitters, no conflicts (2 of 4 stars). 2 submissions from 2 submitters: Uncertain significance (2). Last evaluated 2023-10-09.

Allele frequency attached by ClinVar (database versions not stated): gnomAD 0.00002 and 0.00003; TOPMed 0.00003; ExAC 0.00007; ESP Exome Variant Server 0.00008; gnomAD exomes 0.00010.
gnomAD v4.1: 72 of 1,613,972 alleles (0.0045%); highest among the groups gnomAD compares: South Asian, 0.023%; no homozygotes.

Submissions (2):

Labcorp Genetics (formerly Invitae), Labcorp
Classification: Uncertain significance. Last evaluated: 2023-10-09. Review status: criteria provided, single submitter. Criteria: Invitae Variant Classification Sherloc (09022015). Collection method: clinical testing. Allele origin: germline.
Comment: This sequence change replaces arginine, which is basic and polar, with histidine, which is basic and polar, at codon 236 of the CXCR2 protein (p.Arg236His). This variant is present in population databases (rs144013681, gnomAD 0.04%). This variant has not been reported in the literature in individuals affected with CXCR2-related conditions. ClinVar contains an entry for this variant (Variation ID: 546888). An algorithm developed to predict the effect of missense changes on protein structure and function (PolyPhen-2) suggests that this variant¬†is likely to be tolerated. In summary, the available evidence is currently insufficient to determine the role of this variant in disease. Therefore, it has been classified as a Variant of Uncertain Significance.

CeGaT Center for Human Genetics Tuebingen
Classification: Uncertain significance. Last evaluated: 2018-01-01. Review status: criteria provided, single submitter. Criteria: CeGaT Center For Human Genetics Tuebingen Variant Classification Criteria Version 2. Collection method: clinical testing. Allele origin: germline. Affected: yes. Observed: 1 variant allele.